The following is an entry in ClinVar:

ClinVar aggregate classification (germline): Uncertain significance (1 of 4 stars; one submission).

Conditions:
Early Myoclonic Encephalopathy. Identifiers: MedGen C0270855.

Allele frequency attached by ClinVar (database versions not stated): TOPMed 0.00001; ExAC 0.00002; gnomAD 0.00002; gnomAD exomes 0.00001.
gnomAD v4.1: 7 of 1,613,762 alleles (0.00043%); highest among the groups gnomAD compares: Middle Eastern, 0.016%; no homozygotes.

Submission:

Labcorp Genetics (formerly Invitae), Labcorp
Classification: Uncertain significance for Early Myoclonic Encephalopathy. Last evaluated: 2025-09-25. Review status: criteria provided, single submitter. Criteria: Invitae Variant Classification Sherloc (09022015). Collection method: clinical testing. Allele origin: germline.
Comment: This sequence change replaces valine, which is neutral and non-polar, with isoleucine, which is neutral and non-polar, at codon 197 of the KCND2 protein (p.Val197Ile). This variant is present in population databases (rs750056826, gnomAD 0.003%). This variant has not been reported in the literature in individuals affected with KCND2-related conditions. ClinVar contains an entry for this variant (Variation ID: 941432). Invitae Evidence Modeling of protein sequence and biophysical properties (such as structural, functional, and spatial information, amino acid conservation, physicochemical variation, residue mobility, and thermodynamic stability) indicates that this missense variant is not expected to disrupt KCND2 protein function with a negative predictive value of 95%. In summary, the available evidence is currently insufficient to determine the role of this variant in disease. Therefore, it has been classified as a Variant of Uncertain Significance.

NM_012281.3(KCND2):c.589G>A (p.Val197Ile)

Gene: KCND2 (potassium voltage-gated channel subfamily D member 2; plus strand). Cytogenetic location: 7q31.31.
Variant type: single nucleotide variant.
Coding change: c.589G>A on transcript NM_012281.3 (MANE Select); coding-DNA position 589, G replaced by A.
Protein change: p.Val197Ile; replaces valine 197 with isoleucine.
Molecular consequence: missense variant.
Genome position (GRCh38, 1-based): chr7:120,275,221, G>A. VCF-style: chr7-120275221-G-A. GRCh37 (hg19) VCF-style: chr7-119915275-G-A.
Other names: short protein forms V197I.
Identifiers: ClinVar variation 941432 (VCV000941432.6), dbSNP rs750056826, ClinGen allele CA4453518.